The following is an entry in ClinVar:

NM_014967.5(FAN1):c.1961C>T (p.Pro654Leu)

Genes: FAN1 (FANCD2 and FANCI associated nuclease 1; plus strand), MTMR10 (myotubularin related protein 10; minus strand). Cytogenetic location: 15q13.3.
Variant type: single nucleotide variant.
Coding change: c.1961C>T on transcript NM_014967.5 (MANE Select); coding-DNA position 1961, C replaced by T.
Protein change: p.Pro654Leu; replaces proline 654 with leucine.
Molecular consequence: missense variant.
Genome position (GRCh38, 1-based): chr15:30,920,562, C>T. VCF-style: chr15-30920562-C-T. GRCh37 (hg19) VCF-style: chr15-31212765-C-T.
Other names: short protein forms P654L.
Identifiers: ClinVar variation 4883158 (VCV004883158.2).
Genomic context (GRCh38, chr15:30,920,562, plus strand): 5'-ATTAACCAAATTATTAAACTACTGGTATATGTCTTCATTTTAGATGCCACGAAGATTTAC[C>T]ACTCTTCCTGCGGTGTTTCACTGTTGGGTGGATTTATACAAGGATTTTGTCTCGGTTTGT-3'
Protein context (NP_055782.3, residues 644-664): HPSLRCHEDL[Pro654Leu]LFLRCFTVGW

ClinVar aggregate classification (germline): Uncertain significance (1 of 4 stars; one submission).

gnomAD v4.1: 688 of 1,609,384 alleles (0.043%); highest among the groups gnomAD compares: Non-Finnish European, 0.055%; 1 homozygote.

Submission:

Dasa
Classification: Uncertain significance. Last evaluated: 2025-08-12. Review status: criteria provided, single submitter. Criteria: DASA Assertion Criteria. Collection method: clinical testing. Allele origin: germline.
Comment: NM_014967.5(FAN1):c.1961C>T (p.Pro654Leu) is a missense variant that results in the substitution of proline with leucine. This variant is rare in population databases. Computational prediction algorithms are consistent with a deleterious effect. The currently available literature and clinical evidence are not sufficient to establish a definitive association between this variant and the reported condition. Therefore, this variant is classified as a variant of uncertain significance.